The following is an entry in ClinVar:

NM_001330691.3(CEP78):c.1235T>C (p.Ile412Thr)

Gene: CEP78 (centrosomal protein 78; plus strand). Cytogenetic location: 9q21.2.
Variant type: single nucleotide variant.
Coding change: c.1235T>C on transcript NM_001330691.3 (MANE Select); coding-DNA position 1235, T replaced by C.
Protein change: p.Ile412Thr; replaces isoleucine 412 with threonine.
Molecular consequence: missense variant.
Genome position (GRCh38, 1-based): chr9:78,253,261, T>C. VCF-style: chr9-78253261-T-C. GRCh37 (hg19) VCF-style: chr9-80868177-T-C.
Other names: c.1238T>C, p.Ile413Thr (NM_001098802.3, NM_001349839.2, NM_001349840.2 and 1 more transcripts); c.1235T>C, p.Ile412Thr (NM_001330693.3, NM_001330694.2, NM_001349838.2); c.1238T>C (NM_001098802.1); short protein forms I412T, I413T.
Identifiers: ClinVar variation 1354236 (VCV001354236.6), dbSNP rs1429965782, ClinGen allele CA373860248.

ClinVar aggregate classification (germline): Uncertain significance. Review status: criteria provided, multiple submitters, no conflicts (2 of 4 stars). 2 submissions from 2 submitters: Uncertain significance (2). Last evaluated 2025-08-29.

Conditions:
Inborn genetic diseases. Identifiers: MedGen C0950123, MeSH D030342.

Allele frequency attached by ClinVar (database versions not stated): gnomAD exomes below 0.00001 and 0.00001; TOPMed below 0.00001.
gnomAD v4.1: 4 of 1,382,466 alleles (0.00029%); highest among the groups gnomAD compares: Non-Finnish European, 0.00041%; no homozygotes.

Submissions (2):

Ambry Genetics
Classification: Uncertain significance for Inborn genetic diseases. Last evaluated: 2025-08-29. Review status: criteria provided, single submitter. Criteria: Ambry Variant Classification Scheme 2023. Collection method: clinical testing. Allele origin: germline.

Labcorp Genetics (formerly Invitae), Labcorp
Classification: Uncertain significance. Last evaluated: 2021-09-17. Review status: criteria provided, single submitter. Criteria: Invitae Variant Classification Sherloc (09022015). Collection method: clinical testing. Allele origin: germline.
Comment: This variant has not been reported in the literature in individuals affected with CEP78-related conditions. This sequence change replaces isoleucine with threonine at codon 413 of the CEP78 protein (p.Ile413Thr). The isoleucine residue is weakly conserved and there is a moderate physicochemical difference between isoleucine and threonine. This variant is not present in population databases (ExAC no frequency). Algorithms developed to predict the effect of missense changes on protein structure and function output the following: SIFT: "Deleterious"; PolyPhen-2: "Benign"; Align-GVGD: "Class C0". The threonine amino acid residue is found in multiple mammalian species, which suggests that this missense change does not adversely affect protein function. In summary, the available evidence is currently insufficient to determine the role of this variant in disease. Therefore, it has been classified as a Variant of Uncertain Significance.